The following is an entry in ClinVar:

NM_152594.3(SPRED1):c.484G>A (p.Val162Ile)

Gene: SPRED1 (sprouty related EVH1 domain containing 1; plus strand). Cytogenetic location: 15q14.
Variant type: single nucleotide variant.
Coding change: c.484G>A on transcript NM_152594.3 (MANE Select); coding-DNA position 484, G replaced by A.
Protein change: p.Val162Ile; replaces valine 162 with isoleucine.
Molecular consequence: missense variant.
Genome position (GRCh38, 1-based): chr15:38,339,797, G>A. VCF-style: chr15-38339797-G-A. GRCh37 (hg19) VCF-style: chr15-38631998-G-A.
Other names: short protein forms V162I.
Identifiers: ClinVar variation 4865045 (VCV004865045.1).

ClinVar aggregate classification (germline): Uncertain significance (1 of 4 stars; one submission).

Conditions:
Cardiovascular phenotype. Identifiers: MedGen CN230736.

Submission:

Ambry Genetics
Classification: Uncertain significance for Cardiovascular phenotype. Last evaluated: 2026-06-03. Review status: criteria provided, single submitter. Criteria: Ambry Variant Classification Scheme 2023. Collection method: clinical testing. Allele origin: germline.
Comment: The p.V162I variant (also known as c.484G>A), located in coding exon 5 of the SPRED1 gene, results from a G to A substitution at nucleotide position 484. The valine at codon 162 is replaced by isoleucine, an amino acid with highly similar properties. This amino acid position is conserved. In addition, this alteration is predicted to be tolerated by in silico analysis. Based on the available evidence, the clinical significance of this variant remains unclear.